The following is an entry in ClinVar:

ClinVar aggregate classification (germline): Likely benign. Review status: criteria provided, multiple submitters, no conflicts (2 of 4 stars). 4 submissions from 4 submitters: Likely benign (3). 1 of the submissions does not count toward it. Last evaluated 2026-01-19.

Conditions:
NCSTN-related disorder. Also called: NCSTN-related condition.

Allele frequency attached by ClinVar (database versions not stated): ExAC 0.00016; gnomAD exomes 0.00019; TOPMed 0.00021; gnomAD 0.00022 and 0.00024; ESP Exome Variant Server 0.00031.
gnomAD v4.1: 618 of 1,612,632 alleles (0.038%); highest among the groups gnomAD compares: Non-Finnish European, 0.049%; no homozygotes.

Submissions (4):

Labcorp Genetics (formerly Invitae), Labcorp
Classification: Likely benign. Last evaluated: 2026-01-19. Review status: criteria provided, single submitter. Criteria: Invitae Variant Classification Sherloc (09022015). Collection method: clinical testing. Allele origin: germline.

Blueprint Genetics
Classification: Likely benign. Last evaluated: 2024-05-27. Review status: criteria provided, single submitter. Criteria: ACMG Guidelines, 2015. Collection method: clinical testing. Allele origin: germline.

Breakthrough Genomics
Classification: Likely benign. Review status: criteria provided, single submitter. Criteria: ACMG Guidelines, 2015. Collection method: not provided. Allele origin: germline. Inheritance: Autosomal dominant inheritance. Affected: yes.

PreventionGenetics, part of Exact Sciences
Classification: Likely benign for NCSTN-related condition. Last evaluated: 2020-07-20. Review status: no assertion criteria provided. Collection method: clinical testing. Allele origin: germline. Not counted in ClinVar's aggregate classification.
Comment: This variant is classified as likely benign based on ACMG/AMP sequence variant interpretation guidelines (Richards et al. 2015 PMID: 25741868, with internal and published modifications).

NM_015331.3(NCSTN):c.816C>T (p.Asp272=)

Gene: NCSTN (nicastrin; plus strand). Cytogenetic location: 1q23.2.
Variant type: single nucleotide variant.
Coding change: c.816C>T on transcript NM_015331.3 (MANE Select); coding-DNA position 816, C replaced by T.
Protein change: p.Asp272=; no amino-acid change (aspartic acid 272 retained).
Molecular consequence: synonymous variant. On other transcripts: intron variant (1).
Genome position (GRCh38, 1-based): chr1:160,351,778, C>T. VCF-style: chr1-160351778-C-T. GRCh37 (hg19) VCF-style: chr1-160321568-C-T.
Other names: c.756C>T, p.Asp252= (NM_001290184.2); c.816C>T, p.Asp272= (NM_001349729.2); c.583-1109C>T (NM_001290186.2); c.816C>T (NM_015331.2).
Identifiers: ClinVar variation 1150092 (VCV001150092.13), dbSNP rs148530123, ClinGen allele CA1198818.